The following is an entry in ClinVar:

NM_032043.3(BRIP1):c.2383G>A (p.Glu795Lys)

Gene: BRIP1 (BRCA1 interacting DNA helicase 1; minus strand). Cytogenetic location: 17q23.2.
Variant type: single nucleotide variant.
Coding change: c.2383G>A on transcript NM_032043.3 (MANE Select); coding-DNA position 2383, G replaced by A.
Protein change: p.Glu795Lys; replaces glutamic acid 795 with lysine.
Molecular consequence: missense variant.
Genome position (GRCh38, 1-based): chr17:61,716,060, C>T on the plus strand (G>A on the coding strand, the complement: BRIP1 is on the minus strand). VCF-style: chr17-61716060-C-T. GRCh37 (hg19) VCF-style: chr17-59793421-C-T.
Other names: short protein forms E795K.
Identifiers: ClinVar variation 2087497 (VCV002087497.4), dbSNP rs2144384208, ClinGen allele CA400479852.
Genomic context (GRCh38, chr17:61,716,060, plus strand): 5'-GACGGCCAGGTAGAAGACCTCTCAATTTTGAATGGTGGTCATTGTATTGTCGTTTTAGTT[C>T]AACCTAATAATTTTAAAATATATTTAAAAAATTAGTAGATAATTAAAGCTCATTTTAAAC-3'
Protein context (NP_114432.2, residues 785-805): PFPNVKDLQV[Glu795Lys]LKRQYNDHHS

ClinVar aggregate classification (germline): Uncertain significance (1 of 4 stars; one submission).

Conditions:
Familial cancer of breast. Also called: hereditary breast carcinoma; Hereditary breast cancer; BREAST CANCER, FAMILIAL. Identifiers: Orphanet 227535, MedGen C0346153, MONDO:0016419, OMIM 114480. Disease mechanism: loss of function.
Fanconi anemia complementation group J. Also called: BRIP1-Related Fanconi Anemia. Identifiers: Orphanet 84, MedGen C1836860, MONDO:0012187, OMIM 609054.

Allele frequency attached by ClinVar (database versions not stated): gnomAD exomes below 0.00001.
gnomAD v4.1: 1 of 1,572,026 alleles (0.000064%); highest among the groups gnomAD compares: Non-Finnish European, 0.000087%; no homozygotes.

Submission:

Labcorp Genetics (formerly Invitae), Labcorp
Classification: Uncertain significance for Familial cancer of breast; Fanconi anemia complementation group J. Last evaluated: 2024-12-09. Review status: criteria provided, single submitter. Criteria: Invitae Variant Classification Sherloc (09022015). Collection method: clinical testing. Allele origin: germline.
Comment: This sequence change replaces glutamic acid, which is acidic and polar, with lysine, which is basic and polar, at codon 795 of the BRIP1 protein (p.Glu795Lys). This variant is not present in population databases (gnomAD no frequency). This variant has not been reported in the literature in individuals affected with BRIP1-related conditions. ClinVar contains an entry for this variant (Variation ID: 2087497). Invitae Evidence Modeling of protein sequence and biophysical properties (such as structural, functional, and spatial information, amino acid conservation, physicochemical variation, residue mobility, and thermodynamic stability) has been performed for this missense variant. However, the output from this modeling did not meet the statistical confidence thresholds required to predict the impact of this variant on BRIP1 protein function. In summary, the available evidence is currently insufficient to determine the role of this variant in disease. Therefore, it has been classified as a Variant of Uncertain Significance.